The following is an entry in ClinVar:

NM_001846.4(COL4A2):c.3842G>A (p.Gly1281Asp)

Gene: COL4A2 (collagen type IV alpha 2 chain; plus strand). Cytogenetic location: 13q34.
Variant type: single nucleotide variant.
Coding change: c.3842G>A on transcript NM_001846.4 (MANE Select); coding-DNA position 3842, G replaced by A.
Protein change: p.Gly1281Asp; replaces glycine 1281 with aspartic acid.
Molecular consequence: missense variant.
Genome position (GRCh38, 1-based): chr13:110,501,749, G>A. VCF-style: chr13-110501749-G-A. GRCh37 (hg19) VCF-style: chr13-111154096-G-A.
Other names: short protein forms G1281D.
Identifiers: ClinVar variation 1487925 (VCV001487925.6), dbSNP rs2139549975, ClinGen allele CA388735065.

ClinVar aggregate classification (germline): Uncertain significance (1 of 4 stars; one submission).

Submission:

Labcorp Genetics (formerly Invitae), Labcorp
Classification: Uncertain significance. Last evaluated: 2021-09-23. Review status: criteria provided, single submitter. Criteria: Invitae Variant Classification Sherloc (09022015). Collection method: clinical testing. Allele origin: germline.
Comment: This sequence change replaces glycine with aspartic acid at codon 1281 of the COL4A2 protein (p.Gly1281Asp). The glycine residue is highly conserved and there is a moderate physicochemical difference between glycine and aspartic acid. This variant is not present in population databases (ExAC no frequency). This missense change has been observed in individual(s) with clinical features of porencephaly (Invitae). Advanced modeling of protein sequence and biophysical properties (such as structural, functional, and spatial information, amino acid conservation, physicochemical variation, residue mobility, and thermodynamic stability) performed at Invitae indicates that this missense variant is expected to disrupt COL4A2 protein function. In summary, the available evidence is currently insufficient to determine the role of this variant in disease. Therefore, it has been classified as a Variant of Uncertain Significance.